The following is an entry in ClinVar:

ClinVar aggregate classification (germline): Uncertain significance. Review status: criteria provided, multiple submitters, no conflicts (2 of 4 stars). 4 submissions from 4 submitters: Uncertain significance (4). Last evaluated 2024-06-20.

Conditions:
Familial thoracic aortic aneurysm and aortic dissection (TAAD). Also called: Thoracic aortic aneurysms and dissections. Identifiers: Orphanet 91387, MedGen C4707243, MONDO:0019625.
Aortic aneurysm, familial thoracic 4 (AAT4). Also called: AORTIC ANEURYSM/AORTIC DISSECTION AND PATENT DUCTUS ARTERIOSUS. Identifiers: MedGen C1851504, MONDO:0007568, OMIM 132900.

gnomAD v4.1: 13 of 1,614,114 alleles (0.00081%); highest among the groups gnomAD compares: South Asian, 0.0011%; no homozygotes.

Submissions (4):

Labcorp Genetics (formerly Invitae), Labcorp
Classification: Uncertain significance for Aortic aneurysm, familial thoracic 4. Last evaluated: 2024-06-20. Review status: criteria provided, single submitter. Criteria: Invitae Variant Classification Sherloc (09022015). Collection method: clinical testing. Allele origin: germline.
Comment: This sequence change replaces alanine, which is neutral and non-polar, with glutamic acid, which is acidic and polar, at codon 1318 of the MYH11 protein (p.Ala1318Glu). This variant is not present in population databases (gnomAD no frequency). This variant has not been reported in the literature in individuals affected with MYH11-related conditions. ClinVar contains an entry for this variant (Variation ID: 2448084). Advanced modeling of protein sequence and biophysical properties (such as structural, functional, and spatial information, amino acid conservation, physicochemical variation, residue mobility, and thermodynamic stability) performed at Invitae indicates that this missense variant is not expected to disrupt MYH11 protein function with a negative predictive value of 95%. In summary, the available evidence is currently insufficient to determine the role of this variant in disease. Therefore, it has been classified as a Variant of Uncertain Significance.

All of Us Research Program, National Institutes of Health
Classification: Uncertain significance for Familial thoracic aortic aneurysm and aortic dissection. Last evaluated: 2024-02-05. Review status: criteria provided, single submitter. Criteria: ACMG Guidelines, 2015. Collection method: clinical testing. Allele origin: germline. Inheritance: Autosomal dominant inheritance. Observed: 2 variant alleles, 2 heterozygotes.
Comment: This missense variant replaces alanine with glutamic acid at codon 1318 of the MYH11 protein. Computational prediction suggests that this variant may not impact protein structure and function (internally defined REVEL score threshold <= 0.5, PMID: 27666373). To our knowledge, functional studies have not been reported for this variant. This variant has not been reported in individuals affected with MYH11-related disorders in the literature. This variant has not been identified in the general population by the Genome Aggregation Database (gnomAD). The available evidence is insufficient to determine the role of this variant in disease conclusively. Therefore, this variant is classified as a Variant of Uncertain Significance.

This study involves interpretation of variants in research participants for the purpose of population health screening. Participant phenotype was not available at the time of variant classification. Additional details can be found in publication PMID: 35346344, PMCID: PMC8962531

Color Diagnostics, LLC DBA Color Health
Classification: Uncertain significance for Familial thoracic aortic aneurysm and aortic dissection. Last evaluated: 2023-11-01. Review status: criteria provided, single submitter. Criteria: ACMG Guidelines, 2015. Collection method: clinical testing. Allele origin: germline.
Comment: This missense variant replaces alanine with glutamic acid at codon 1318 of the MYH11 protein. Computational prediction suggests that this variant may not impact protein structure and function. To our knowledge, functional studies have not been reported for this variant. This variant has not been reported in individuals affected with MYH11-related disorders in the literature. This variant has not been identified in the general population by the Genome Aggregation Database (gnomAD). The available evidence is insufficient to determine the role of this variant in disease conclusively. Therefore, this variant is classified as a Variant of Uncertain Significance.

Ambry Genetics
Classification: Uncertain significance for Familial thoracic aortic aneurysm and aortic dissection. Last evaluated: 2023-01-25. Review status: criteria provided, single submitter. Criteria: Ambry Variant Classification Scheme 2023. Collection method: clinical testing. Allele origin: germline.
Comment: The p.A1311E variant (also known as c.3932C>A), located in coding exon 28 of the MYH11 gene, results from a C to A substitution at nucleotide position 3932. The alanine at codon 1311 is replaced by glutamic acid, an amino acid with dissimilar properties. This amino acid position is conserved. In addition, the in silico prediction for this alteration is inconclusive. Since supporting evidence is limited at this time, the clinical significance of this alteration remains unclear.

NM_002474.3(MYH11):c.3932C>A (p.Ala1311Glu)

Genes: NDE1 (nudE neurodevelopment protein 1; plus strand), MYH11 (myosin heavy chain 11; minus strand). Cytogenetic location: 16p13.11.
Variant type: single nucleotide variant.
Coding change: c.3932C>A on transcript NM_002474.3 (MANE Select); coding-DNA position 3932, C replaced by A.
Protein change: p.Ala1311Glu; replaces alanine 1311 with glutamic acid.
Molecular consequence: missense variant. On other transcripts: 3 prime UTR variant (2).
Genome position (GRCh38, 1-based): chr16:15,724,919, G>T on the plus strand (C>A on the coding strand, the complement: MYH11 is on the minus strand). VCF-style: chr16-15724919-G-T. GRCh37 (hg19) VCF-style: chr16-15818776-G-T.
Other names: c.3953C>A, p.Ala1318Glu (NM_001040113.2, NM_001040114.2); c.3932C>A, p.Ala1311Glu (NM_022844.3); c.*668G>T (NM_001143979.2, NM_017668.3); short protein forms A1311E, A1318E.
Identifiers: ClinVar variation 2448084 (VCV002448084.6), dbSNP rs185720909, ClinGen allele CA394858923.